The following is an entry in ClinVar:

ClinVar aggregate classification (germline): Likely benign. Review status: criteria provided, multiple submitters, no conflicts (2 of 4 stars). 3 submissions from 3 submitters: Likely benign (3). Last evaluated 2025-09-01.

Allele frequency attached by ClinVar (database versions not stated): gnomAD 0.00003; TOPMed 0.00003; gnomAD exomes 0.00004.

Submissions (3):

CeGaT Center for Human Genetics Tuebingen
Classification: Likely benign. Last evaluated: 2025-09-01. Review status: criteria provided, single submitter. Criteria: CeGaT Center For Human Genetics Tuebingen Variant Classification Criteria Version 2. Collection method: clinical testing. Allele origin: germline. Affected: yes. Observed: 1 variant allele.
Comment: PTPN23: BP4, BP7

Labcorp Genetics (formerly Invitae), Labcorp
Classification: Likely benign. Last evaluated: 2022-09-13. Review status: criteria provided, single submitter. Criteria: Invitae Variant Classification Sherloc (09022015). Collection method: clinical testing. Allele origin: germline.

Blueprint Genetics
Classification: Likely benign. Last evaluated: 2019-05-09. Review status: criteria provided, single submitter. Criteria: ACMG Guidelines, 2015. Collection method: clinical testing. Allele origin: germline.

NM_015466.4(PTPN23):c.2559G>A (p.Pro853=)

Gene: PTPN23 (protein tyrosine phosphatase non-receptor type 23; plus strand). Cytogenetic location: 3p21.31.
Variant type: single nucleotide variant.
Coding change: c.2559G>A on transcript NM_015466.4 (MANE Select); coding-DNA position 2559, G replaced by A.
Protein change: p.Pro853=; no amino-acid change (proline 853 retained).
Molecular consequence: synonymous variant.
Genome position (GRCh38, 1-based): chr3:47,410,357, G>A. VCF-style: chr3-47410357-G-A. GRCh37 (hg19) VCF-style: chr3-47451847-G-A.
Other names: c.2181G>A, p.Pro727= (NM_001304482.2).
Identifiers: ClinVar variation 1595990 (VCV001595990.16), dbSNP rs911018612, ClinGen allele CA73880386.